The following is an entry in ClinVar:

NM_000077.5(CDKN2A):c.308G>C (p.Arg103Pro)

Gene: CDKN2A (cyclin dependent kinase inhibitor 2A; minus strand). Cytogenetic location: 9p21.3.
Variant type: single nucleotide variant.
Coding change: c.308G>C on transcript NM_000077.5; coding-DNA position 308, G replaced by C.
Protein change: p.Arg103Pro; replaces arginine 103 with proline.
Molecular consequence: missense variant (on NM_000077.6). On other transcripts: synonymous variant (1), 3 prime UTR variant (1).
Genome position (GRCh38, 1-based): chr9:21,971,051, C>G on the plus strand (G>C on the coding strand, the complement: CDKN2A is on the minus strand). VCF-style: chr9-21971051-C-G. GRCh37 (hg19) VCF-style: chr9-21971050-C-G.
Other names: c.308G>C, p.Arg103Pro (NM_000077.6, NM_001195132.2); c.155G>C, p.Arg52Pro (NM_001363763.2); c.351G>C, p.Ala117= (NM_058195.4); c.*231G>C (NM_058197.5); short protein forms R103P, R52P.
Identifiers: ClinVar variation 406703 (VCV000406703.15), dbSNP rs143282362, ClinGen allele CA16612705.

ClinVar aggregate classification (germline): Uncertain significance. Review status: criteria provided, multiple submitters, no conflicts (2 of 4 stars). 4 submissions from 4 submitters: Uncertain significance (4). Last evaluated 2025-10-07.

Conditions:
Hereditary cancer-predisposing syndrome. Also called: Neoplastic Syndromes, Hereditary; Tumor predisposition; Hereditary Cancer Syndrome; Hereditary neoplastic syndrome. Identifiers: Orphanet 140162, MedGen C0027672, MeSH D009386, MONDO:0015356.
Familial melanoma. Also called: Hereditary melanoma; Hereditary cutaneous melanoma. Identifiers: Orphanet 618, MedGen C1512419, MONDO:0018961.

Submissions (4):

Ambry Genetics
Classification: Uncertain significance for Hereditary cancer-predisposing syndrome. Last evaluated: 2025-10-07. Review status: criteria provided, single submitter. Criteria: Ambry Variant Classification Scheme 2023. Collection method: clinical testing. Allele origin: germline.
Comment: The p.R103P variant (also known as c.308G>C), located in coding exon 2 of the CDKN2A gene, results from a G to C substitution at nucleotide position 308. The arginine at codon 103 is replaced by proline, an amino acid with dissimilar properties. Of note, this variant is also known as c.351G>C (p.A117A)in the p14(ARF) isoform. This amino acid position is well conserved in available vertebrate species. In addition, the in silico prediction for this alteration is inconclusive. Based on the available evidence, the clinical significance of this variant remains unclear.

Quest Diagnostics Nichols Institute San Juan Capistrano
Classification: Uncertain significance. Last evaluated: 2024-12-04. Review status: criteria provided, single submitter. Criteria: Quest Diagnostics criteria. Collection method: clinical testing. Allele origin: unknown.
Comment: The CDKN2A c.308G>C (p.Arg103Pro) variant has not been reported in individuals with CDKN2A-related conditions in the published literature. It also has not been reported in large, multi-ethnic general populations (Genome Aggregation Database). Analysis of this variant using bioinformatics tools for the prediction of the effect of amino acid changes on protein structure and function yielded predictions that this variant is damaging. Based on the available information, we are unable to determine the clinical significance of this variant.

Labcorp Genetics (formerly Invitae), Labcorp
Classification: Uncertain significance for Familial melanoma. Last evaluated: 2023-12-12. Review status: criteria provided, single submitter. Criteria: Invitae Variant Classification Sherloc (09022015). Collection method: clinical testing. Allele origin: germline.
Comment: This sequence change replaces arginine, which is basic and polar, with proline, which is neutral and non-polar, at codon 103 of the CDKN2A (p16INK4a) protein (p.Arg103Pro). This variant is not present in population databases (gnomAD no frequency). This variant has not been reported in the literature in individuals affected with CDKN2A (p16INK4a)-related conditions. ClinVar contains an entry for this variant (Variation ID: 406703). An algorithm developed to predict the effect of missense changes on protein structure and function (PolyPhen-2) suggests that this variant is likely to be tolerated. In summary, the available evidence is currently insufficient to determine the role of this variant in disease. Therefore, it has been classified as a Variant of Uncertain Significance.

GeneDx
Classification: Uncertain significance. Last evaluated: 2021-02-09. Review status: criteria provided, single submitter. Criteria: GeneDx Variant Classification Process June 2021. Collection method: clinical testing. Allele origin: germline. Affected: yes.
Comment: In silico analysis supports that this missense variant has a deleterious effect on protein structure/function; Has not been previously published as pathogenic or benign to our knowledge